The following is an entry in ClinVar:

ClinVar aggregate classification (germline): Likely benign. Review status: criteria provided, multiple submitters, no conflicts (2 of 4 stars). 2 submissions from 2 submitters: Likely benign (2). Last evaluated 2026-09-01.

gnomAD v4.1: 13 of 1,598,098 alleles (0.00081%); highest among the groups gnomAD compares: East Asian, 0.0022%; no homozygotes.

Submissions (2):

CeGaT Center for Human Genetics Tuebingen
Classification: Likely benign. Last evaluated: 2026-09-01. Review status: criteria provided, single submitter. Criteria: CeGaT Center For Human Genetics Tuebingen Variant Classification Criteria Version 2. Collection method: clinical testing. Allele origin: germline. Affected: yes. Observed: 1 variant allele.
Comment: ASAH1: BP4, BP7

Labcorp Genetics (formerly Invitae), Labcorp
Classification: Likely benign. Last evaluated: 2024-12-23. Review status: criteria provided, single submitter. Criteria: Invitae Variant Classification Sherloc (09022015). Collection method: clinical testing. Allele origin: germline.

NM_177924.5(ASAH1):c.57C>G (p.Ala19=)

Gene: ASAH1 (N-acylsphingosine amidohydrolase 1; minus strand). Cytogenetic location: 8p22.
Variant type: single nucleotide variant.
Coding change: c.57C>G on transcript NM_177924.5 (MANE Select); coding-DNA position 57, C replaced by G.
Protein change: p.Ala19=; no amino-acid change (alanine 19 retained).
Molecular consequence: synonymous variant. On other transcripts: intron variant (2).
Genome position (GRCh38, 1-based): chr8:18,084,002, G>C on the plus strand (C>G on the coding strand, the complement: ASAH1 is on the minus strand). VCF-style: chr8-18084002-G-C. GRCh37 (hg19) VCF-style: chr8-17941511-G-C.
Other names: c.126+674C>G (NM_004315.6, NM_001127505.3).
Identifiers: ClinVar variation 1625028 (VCV001625028.9), dbSNP rs777754989, ClinGen allele CA4651118.
Genomic context (GRCh38, chr8:18,084,002, plus strand): 5'-TGCACGCCCCTCTCTGCGCCTCGGCTCAAGCTCACTCACCGGCGGCGCGTGCTGCGCGAC[G>C]GCACAGCTGACGGCGGCAGCCAGGAGGACTAAGGCGACGCAACTCCGGCCCGGCATCGCT-3'
Protein context (NP_808592.2, residues 9-29): LVLLAAAVSC[Ala19=]VAQHAPPWTE